The following is an entry in ClinVar:

NM_152564.5(VPS13B):c.10506A>G (p.Lys3502=)

Gene: VPS13B (vacuolar protein sorting 13 homolog B; plus strand). Cytogenetic location: 8q22.2.
Variant type: single nucleotide variant.
Coding change: c.10506A>G on transcript NM_152564.5 (MANE Select); coding-DNA position 10506, A replaced by G.
Protein change: p.Lys3502=; no amino-acid change (lysine 3502 retained).
Molecular consequence: synonymous variant.
Genome position (GRCh38, 1-based): chr8:99,853,895, A>G. VCF-style: chr8-99853895-A-G. GRCh37 (hg19) VCF-style: chr8-100866123-A-G.
Other names: c.10581A>G, p.Lys3527= (NM_017890.5); c.10506A>G (NM_152564.4).
Identifiers: ClinVar variation 1604967 (VCV001604967.10), dbSNP rs1373791263, ClinGen allele CA462458361.
Genomic context (GRCh38, chr8:99,853,895, plus strand): 5'-CACCTTAAATGAAGGCAAGAGCATCCTCTGTGATATTAATGAGTTCAGCTTTGAATTAAA[A>G]CCTGCTCGGTTATACGTGGAAGACACATTTGTATACTACATCAAGACTTTGTTTGACACC-3'
Protein context (NP_689777.3, residues 3492-3512): CDINEFSFEL[Lys3502=]PARLYVEDTF

ClinVar aggregate classification (germline): Likely benign. Review status: criteria provided, multiple submitters, no conflicts (2 of 4 stars). 3 submissions from 3 submitters: Likely benign (2). 1 of the submissions does not count toward it. Last evaluated 2024-03-26.

Conditions:
Cohen syndrome (COH1). Also called: PEPPER SYNDROME; Cutis verticis gyrata, retinitis pigmentosa, and sensorineural deafness. Identifiers: Orphanet 193, MedGen C0265223, MONDO:0008999, OMIM 216550.
VPS13B-related disorder. Also called: VPS13B-related condition.

Allele frequency attached by ClinVar (database versions not stated): gnomAD exomes below 0.00001; gnomAD 0.00001; TOPMed 0.00002.
gnomAD v4.1: 3 of 1,614,046 alleles (0.00019%); highest among the groups gnomAD compares: African/African-American, 0.0027%; no homozygotes.

Submissions (3):

Blueprint Genetics
Classification: Likely benign. Last evaluated: 2024-03-26. Review status: criteria provided, single submitter. Criteria: ACMG Guidelines, 2015. Collection method: clinical testing. Allele origin: germline.

Labcorp Genetics (formerly Invitae), Labcorp
Classification: Likely benign for Cohen syndrome. Last evaluated: 2023-05-27. Review status: criteria provided, single submitter. Criteria: Invitae Variant Classification Sherloc (09022015). Collection method: clinical testing. Allele origin: germline.

PreventionGenetics, part of Exact Sciences
Classification: Likely benign for VPS13B-related condition. Last evaluated: 2023-03-21. Review status: no assertion criteria provided. Collection method: clinical testing. Allele origin: germline. Not counted in ClinVar's aggregate classification.
Comment: This variant is classified as likely benign based on ACMG/AMP sequence variant interpretation guidelines (Richards et al. 2015 PMID: 25741868, with internal and published modifications).